The following is an entry in ClinVar:

ClinVar aggregate classification (germline): Pathogenic/Likely pathogenic. Review status: criteria provided, multiple submitters, no conflicts (2 of 4 stars). 2 submissions from 2 submitters: Pathogenic (1); Likely pathogenic (1). Last evaluated 2022-06-28.

Conditions:
OPA1-related disorder. Also called: OPA1-related condition; OPA1-related disorders.

Submissions (2):

Athena Diagnostics
Classification: Pathogenic. Last evaluated: 2022-06-28. Review status: criteria provided, single submitter. Criteria: Athena Diagnostics Criteria. Collection method: clinical testing. Allele origin: unknown.
Comment: This variant is expected to result in the loss of a functional protein. This variant has been identified in at least one individual tested at Athena Diagnostics with clinical features associated with this gene. This variant has not been reported in large, multi-ethnic general populations.

Blueprint Genetics
Classification: Likely pathogenic for OPA1-related disorders. Last evaluated: 2020-05-07. Review status: criteria provided, single submitter. Criteria: ACMG Guidelines, 2015. Collection method: clinical testing. Allele origin: germline. Affected: yes. Observed: 2 variant alleles.

NM_130837.3(OPA1):c.1849C>T (p.Gln617Ter)

Genes: OPA1 (OPA1 mitochondrial dynamin like GTPase; plus strand), LOC126806913 (BRD4-independent group 4 enhancer GRCh37_chr3:193364377-193365576; plus strand). Cytogenetic location: 3q29.
Variant type: single nucleotide variant.
Coding change: c.1849C>T on transcript NM_130837.3 (MANE Select); coding-DNA position 1849, C replaced by T.
Protein change: p.Gln617Ter; replaces glutamine 617 with a stop codon.
Molecular consequence: nonsense.
Genome position (GRCh38, 1-based): chr3:193,647,159, C>T. VCF-style: chr3-193647159-C-T. GRCh37 (hg19) VCF-style: chr3-193364948-C-T.
Other names: c.1315C>T, p.Gln439Ter (NM_001354663.2); c.1312C>T, p.Gln438Ter (NM_001354664.2); c.1684C>T, p.Gln562Ter (NM_015560.3); c.1576C>T, p.Gln526Ter (NM_130831.3); c.1630C>T, p.Gln544Ter (NM_130832.3); c.1687C>T, p.Gln563Ter (NM_130833.3); c.1738C>T, p.Gln580Ter (NM_130834.3); c.1741C>T, p.Gln581Ter (NM_130835.3); and 1 more; short protein forms Q438*, Q439*, Q526*, Q544*, Q562*, Q563*, Q580*, Q581*.
Identifiers: ClinVar variation 1807044 (VCV001807044.2), dbSNP rs2474922047, ClinGen allele CA355790555.